The following is an entry in ClinVar:

ClinVar aggregate classification (germline): Pathogenic (1 of 4 stars; one submission).

Submission:

Labcorp Genetics (formerly Invitae), Labcorp
Classification: Pathogenic. Last evaluated: 2022-10-06. Review status: criteria provided, single submitter. Criteria: Invitae Variant Classification Sherloc (09022015). Collection method: clinical testing. Allele origin: germline.
Comment: This sequence change affects a donor splice site in intron 3 of the PAX3 gene. It is expected to disrupt RNA splicing. Variants that disrupt the donor or acceptor splice site typically lead to a loss of protein function (PMID: 16199547), and loss-of-function variants in PAX3 are known to be pathogenic (PMID: 20127975, 23512835). This variant is not present in population databases (gnomAD no frequency). Disruption of this splice site has been observed in individual(s) with autosomal dominant Waardenburg syndrome (PMID: 8162027). In at least one individual the variant was observed to be de novo. It has also been observed to segregate with disease in related individuals. Algorithms developed to predict the effect of sequence changes on RNA splicing suggest that this variant may disrupt the consensus splice site. For these reasons, this variant has been classified as Pathogenic.

Literature cited by the submitters: PubMed 16199547; PubMed 20127975; PubMed 23512835; PubMed 8162027.

NM_181458.4(PAX3):c.451+1G>A

Gene: PAX3 (paired box 3; minus strand). Cytogenetic location: 2q36.1.
Variant type: single nucleotide variant.
Coding change: c.451+1G>A on transcript NM_181458.4 (MANE Select); the canonical splice donor site of the intron after coding-DNA position 451, G replaced by A.
Molecular consequence: splice donor variant.
Genome position (GRCh38, 1-based): chr2:222,295,527, C>T on the plus strand (G>A on the coding strand, the complement: PAX3 is on the minus strand). VCF-style: chr2-222295527-C-T. GRCh37 (hg19) VCF-style: chr2-223160246-C-T.
Other names: c.448+1G>A (NM_001127366.3); c.451+1G>A (NM_181460.4, NM_181461.4, NM_181459.4 and 3 more transcripts).
Identifiers: ClinVar variation 2203269 (VCV002203269.4), dbSNP rs2469478619, ClinGen allele CA351113031.
Genomic context (GRCh38, chr2:222,295,527, plus strand): 5'-ACGTGCCGGGGTAATAGCGACTGACTGTCGCGCCTCGGGGAGAGGTTAATGGGCCTAGTA[C>T]CTGACGGCACGGTGTTTCGATCACAGACCGCGTCCTTGAGTAATTTGTCTCGGATTTCCC-3'